The following is an entry in ClinVar:

NM_020778.5(ALPK3):c.4410+2T>A

Gene: ALPK3 (alpha kinase 3; plus strand). Cytogenetic location: 15q25.3.
Variant type: single nucleotide variant.
Coding change: c.4410+2T>A on transcript NM_020778.5 (MANE Select); the canonical splice donor site of the intron after coding-DNA position 4410, T replaced by A.
Molecular consequence: splice donor variant.
Genome position (GRCh38, 1-based): chr15:84,862,917, T>A. VCF-style: chr15-84862917-T-A. GRCh37 (hg19) VCF-style: chr15-85406148-T-A.
Identifiers: ClinVar variation 1502481 (VCV001502481.6), dbSNP rs2141572840, ClinGen allele CA393363541.

ClinVar aggregate classification (germline): Likely pathogenic (1 of 4 stars; one submission).

Submission:

Labcorp Genetics (formerly Invitae), Labcorp
Classification: Likely pathogenic. Last evaluated: 2024-12-26. Review status: criteria provided, single submitter. Criteria: Invitae Variant Classification Sherloc (09022015). Collection method: clinical testing. Allele origin: germline.
Comment: This sequence change affects a donor splice site in intron 10 of the ALPK3 gene. It is expected to disrupt RNA splicing. Variants that disrupt the donor or acceptor splice site typically lead to a loss of protein function (PMID: 16199547), and loss-of-function variants in ALPK3 are known to be pathogenic (PMID: 21441111, 26846950, 27106955, 34263907). This variant is not present in population databases (gnomAD no frequency). This variant has not been reported in the literature in individuals affected with ALPK3-related conditions. ClinVar contains an entry for this variant (Variation ID: 1502481). Algorithms developed to predict the effect of sequence changes on RNA splicing suggest that this variant may disrupt the consensus splice site. In summary, the currently available evidence indicates that the variant is pathogenic, but additional data are needed to prove that conclusively. Therefore, this variant has been classified as Likely Pathogenic.

Literature cited by the submitters: PubMed 16199547; PubMed 21441111; PubMed 26846950; PubMed 27106955; PubMed 34263907.